The following is an entry in ClinVar:

ClinVar aggregate classification (germline): Pathogenic (1 of 4 stars; one submission).

Conditions:
Myofibrillar myopathy 5. Also called: Filaminopathy (type); FILAMINOPATHY, AUTOSOMAL DOMINANT. Identifiers: Orphanet 171445, MedGen C1836050, MONDO:0012289, OMIM 609524.
Hypertrophic cardiomyopathy 26. Also called: Cardiomyopathy, familial hypertrophic, 26. Identifiers: Orphanet 75249, MedGen C4310749, MONDO:0014883, OMIM 617047.
Distal myopathy with posterior leg and anterior hand involvement. Also called: WILLIAMS DISTAL MYOPATHY. Identifiers: Orphanet 63273, MedGen C3279722, MONDO:0013550, OMIM 614065.

Submission:

Labcorp Genetics (formerly Invitae), Labcorp
Classification: Pathogenic for Distal myopathy with posterior leg and anterior hand involvement; Myofibrillar myopathy 5; Hypertrophic cardiomyopathy 26. Last evaluated: 2022-06-24. Review status: criteria provided, single submitter. Criteria: Invitae Variant Classification Sherloc (09022015). Collection method: clinical testing. Allele origin: germline.
Comment: Algorithms developed to predict the effect of sequence changes on RNA splicing suggest that this variant may create or strengthen a splice site. For these reasons, this variant has been classified as Pathogenic. This variant has not been reported in the literature in individuals affected with FLNC-related conditions. This sequence change creates a premature translational stop signal (p.Ala1459Glyfs*56) in the FLNC gene. It is expected to result in an absent or disrupted protein product. Loss-of-function variants in FLNC are known to be pathogenic (PMID: 27908349). This variant is not present in population databases (gnomAD no frequency).

Literature cited by the submitters: PubMed 27908349.

NM_001458.5(FLNC):c.4363_4375dup (p.Ala1459fs)

Gene: FLNC (filamin C; plus strand). Cytogenetic location: 7q32.1.
Variant type: Duplication.
Coding change: c.4363_4375dup on transcript NM_001458.5 (MANE Select); coding-DNA positions 4363 to 4375, 13 bases duplicated (GCTGGTGTCAGGG).
Protein change: p.Ala1459fs; shifts the reading frame from alanine 1459.
Molecular consequence: frameshift variant.
Genome position (GRCh38, 1-based): chr7:128,847,771-128,847,783, GCTGGTGTCAGGG duplicated; duplicating any 13 consecutive bases within chr7:128,847,768-128,847,783 gives the same sequence; the c. name uses the placement nearest the transcript's 3' end. VCF-style (leftmost placement, unchanged base first): chr7-128847767-G-GGGGGCTGGTGTCA. GRCh37 (hg19) VCF-style: chr7-128487821-G-GGGGGCTGGTGTCA.
Other names: c.4363_4375dup, p.Ala1459fs (NM_001127487.2); short protein forms A1459fs.
Identifiers: ClinVar variation 2010046 (VCV002010046.4), dbSNP rs2536645862, ClinGen allele CA2580076657.
Genomic context (GRCh38, chr7:128,847,767, plus strand): 5'-CCGCGTGCCAGTGAAGGATGTGGTGGACCCTGGGAAGGTGAAGTGCTCAGGGCCAGGGCT[G>GGGGGCTGGTGTCA]GGGGCTGGTGTCAGGGCCCGGGTTCCTCAGACCTTCACAGTGGATTGCAGTCAAGCTGGC-3'